The following is an entry in ClinVar:

NM_017780.4(CHD7):c.1666-15A>G

Genes: CHD7 (chromodomain helicase DNA binding protein 7; plus strand), LOC126860403 (CDK7 strongly-dependent group 2 enhancer GRCh37_chr8:61693034-61694233; plus strand). Cytogenetic location: 8q12.2.
Variant type: single nucleotide variant.
Coding change: c.1666-15A>G on transcript NM_017780.4 (MANE Select); 15 bases into the intron before coding-DNA position 1666, A replaced by G.
Molecular consequence: intron variant.
Genome position (GRCh38, 1-based): chr8:60,780,985, A>G. VCF-style: chr8-60780985-A-G. GRCh37 (hg19) VCF-style: chr8-61693544-A-G.
Other names: c.1666-15A>G (NM_001316690.1).
Identifiers: ClinVar variation 910491 (VCV000910491.16), dbSNP rs372978951, ClinGen allele CA4759545.

ClinVar aggregate classification (germline): Benign/Likely benign. Review status: criteria provided, multiple submitters, no conflicts (2 of 4 stars). 6 submissions from 6 submitters: Benign (1); Likely benign (5). Last evaluated 2025-10-18.

Conditions:
Hypogonadotropic hypogonadism 5 with or without anosmia (KAL5). Also called: HYPOGONADOTROPIC HYPOGONADISM 5 WITH ANOSMIA; HYPOGONADOTROPHIC HYPOGONADISM 5 WITHOUT ANOSMIA; CHD7-Related GnRH Deficiency (Kallmann Syndrome 5). Identifiers: Orphanet 478, MedGen C3552553, MONDO:0012880, OMIM 612370. Disease mechanism: loss of function.
CHARGE syndrome (CHARGE). Also called: CHARGE ASSOCIATION--COLOBOMA, HEART ANOMALY, CHOANAL ATRESIA, RETARDATION, GENITAL AND EAR ANOMALIES; Coloboma, heart anomaly, choanal atresia, retardation, genital and ear anomalies; CHARGE association; Hall-Hittner syndrome; Hittner Hirsch Kreh syndrome. Identifiers: Orphanet 138, MedGen C0265354, MONDO:0008965.

Allele frequency attached by ClinVar (database versions not stated): gnomAD exomes 0.00005 and 0.00015; ExAC 0.00024; gnomAD 0.00033 and 0.00035; TOPMed 0.00039; 1000 Genomes Project 0.00040; 1000 Genomes Project 30x 0.00047; ESP Exome Variant Server 0.00050.
gnomAD v4.1: 124 of 1,522,174 alleles (0.0081%); highest among the groups gnomAD compares: African/African-American, 0.13%; no homozygotes.

Submissions (6):

Labcorp Genetics (formerly Invitae), Labcorp
Classification: Benign for CHARGE syndrome. Last evaluated: 2025-10-18. Review status: criteria provided, single submitter. Criteria: Invitae Variant Classification Sherloc (09022015). Collection method: clinical testing. Allele origin: germline.

Blueprint Genetics
Classification: Likely benign. Last evaluated: 2024-08-12. Review status: criteria provided, single submitter. Criteria: ACMG Guidelines, 2015. Collection method: clinical testing. Allele origin: germline.

Fulgent Genetics
Classification: Likely benign for CHD7-related CHARGE syndrome; Hypogonadotropic hypogonadism 5 with or without anosmia. Last evaluated: 2022-04-06. Review status: criteria provided, single submitter. Criteria: ACMG Guidelines, 2015. Collection method: clinical testing. Allele origin: unknown.

GeneDx
Classification: Likely benign. Last evaluated: 2020-10-24. Review status: criteria provided, single submitter. Criteria: GeneDx Variant Classification Process June 2021. Collection method: clinical testing. Allele origin: germline. Affected: yes.

Illumina Laboratory Services, Illumina
Classification: Likely benign for Kallmann Syndrome 5. Last evaluated: 2018-01-13. Review status: criteria provided, single submitter. Criteria: ICSL Variant Classification Criteria 13 December 2019. Collection method: clinical testing. Allele origin: germline.
Comment: This variant was observed in the ICSL laboratory as part of a predisposition screen in an ostensibly healthy population. It had not been previously curated by ICSL or reported in the Human Gene Mutation Database (HGMD: prior to June 1st, 2018), and was therefore a candidate for classification through an automated scoring system. Utilizing variant allele frequency, disease prevalence and penetrance estimates, and inheritance mode, an automated score was calculated to assess if this variant is too frequent to cause the disease. Based on the score and internal cut-off values, a variant classified as likely benign is not then subjected to further curation. The score for this variant resulted in a classification of likely benign for this disease.

Breakthrough Genomics
Classification: Likely benign. Review status: criteria provided, single submitter. Criteria: ACMG Guidelines, 2015. Collection method: not provided. Allele origin: germline. Inheritance: Autosomal dominant inheritance. Affected: yes.